The following is an entry in ClinVar:

ClinVar aggregate classification (germline): Pathogenic/Likely pathogenic. Review status: criteria provided, multiple submitters, no conflicts (2 of 4 stars). 2 submissions from 2 submitters: Pathogenic (1); Likely pathogenic (1). Last evaluated 2026-03-26.

Conditions:
Hereditary spastic paraplegia 49 (HSAN9). Also called: TECPR2-Related Hereditary Sensory and Autonomic Neuropathy with Intellectual Disability; Spastic paraplegia 49, autosomal recessive; NEUROPATHY, HEREDITARY SENSORY AND AUTONOMIC, TYPE IX, WITH DEVELOPMENTAL DELAY. Identifiers: Orphanet 320385, MedGen C5190860, MONDO:0014016, OMIM 615031.

gnomAD v4.1: 1 of 1,613,082 alleles (0.000062%); highest among the groups gnomAD compares: African/African-American, 0.0013%; no homozygotes.

Submissions (2):

Myriad Genetics, Inc.
Classification: Pathogenic for Hereditary spastic paraplegia 49. Last evaluated: 2026-03-26. Review status: criteria provided, single submitter. Criteria: Myriad Autosomal Dominant, Autosomal Recessive and X-Linked Classification Criteria (2023). Collection method: clinical testing. Allele origin: unknown.
Comment: NM_014844.3(TECPR2):c.326C>G(S109*) is a nonsense variant classified as pathogenic in the context of spastic paraplegia, TECPR2-related. S109* has not been observed in cases with relevant disease. Relevant functional assessments of this variant are not available in the literature. S109* has not been observed in referenced population frequency databases. In summary, NM_014844.3(TECPR2):c.326C>G(S109*) is a nonsense variant in a gene where loss of function is a known mechanism of disease and is predicted to disrupt protein function. Please note: this variant was assessed in the context of healthy population screening.

Natera, Inc.
Classification: Likely pathogenic for Autosomal recessive spastic paraplegia type 49. Last evaluated: 2025-08-04. Review status: criteria provided, single submitter. Criteria: Natera Variant Classification Schema (03/2026). Collection method: clinical testing. Allele origin: germline.
Comment: The c.326C>G variant in TECPR2 is a nonsense variant predicted to introduce a stop codon at amino acid 109. This variant is expected to result in nonsense mediated decay, truncation, or a dysfunctional protein product. This variant is rare in the general population with a frequency below the threshold expected for the associated phenotype(s). Given the available evidence, this variant is classified as Likely Pathogenic.

NM_014844.5(TECPR2):c.326C>G (p.Ser109Ter)

Gene: TECPR2 (tectonin beta-propeller repeat containing 2; plus strand). Cytogenetic location: 14q32.31.
Variant type: single nucleotide variant.
Coding change: c.326C>G on transcript NM_014844.5 (MANE Select); coding-DNA position 326, C replaced by G.
Protein change: p.Ser109Ter; replaces serine 109 with a stop codon.
Molecular consequence: nonsense.
Genome position (GRCh38, 1-based): chr14:102,407,444, C>G. VCF-style: chr14-102407444-C-G. GRCh37 (hg19) VCF-style: chr14-102873781-C-G.
Other names: c.326C>G, p.Ser109Ter (NM_001172631.3); short protein forms S109*.
Identifiers: ClinVar variation 4815749 (VCV004815749.2).
Genomic context (GRCh38, chr14:102,407,444, plus strand): 5'-ATGACCTGGTGGCAGCAGGCACAGCCTCTGGCAGGGTTGCAGTTTTTCAACTTGTATCTT[C>G]ATTGCCAGGGAGAAATAAACAGGTGAGTACTCATGATCTTAACACGTGTTAACTTCTTGG-3'